The following is an entry in ClinVar:

ClinVar aggregate classification (germline): Uncertain significance. Review status: criteria provided, single submitter (1 of 4 stars). 2 submissions from 2 submitters: Uncertain significance (1). 1 of the submissions does not count toward it. Last evaluated 2022-08-23.

Conditions:
CHARGE syndrome (CHARGE). Also called: Coloboma, heart anomaly, choanal atresia, retardation, genital and ear anomalies; CHARGE association; Hall-Hittner syndrome; Hittner Hirsch Kreh syndrome; CHARGE ASSOCIATION--COLOBOMA, HEART ANOMALY, CHOANAL ATRESIA, RETARDATION, GENITAL AND EAR ANOMALIES. Identifiers: Orphanet 138, MedGen C0265354, MONDO:0008965.
SEMA3E-related disorder. Also called: SEMA3E-related condition.

Allele frequency attached by ClinVar (database versions not stated): ExAC 0.00001; gnomAD exomes 0.00001.
gnomAD v4.1: 16 of 1,611,786 alleles (0.00099%); highest among the groups gnomAD compares: Non-Finnish European, 0.0014%; no homozygotes.

Submissions (2):

Labcorp Genetics (formerly Invitae), Labcorp
Classification: Uncertain significance for CHARGE syndrome. Last evaluated: 2022-08-23. Review status: criteria provided, single submitter. Criteria: Invitae Variant Classification Sherloc (09022015). Collection method: clinical testing. Allele origin: germline.
Comment: In summary, the available evidence is currently insufficient to determine the role of this variant in disease. Therefore, it has been classified as a Variant of Uncertain Significance. Algorithms developed to predict the effect of missense changes on protein structure and function are either unavailable or do not agree on the potential impact of this missense change (SIFT: "Deleterious"; PolyPhen-2: "Benign"; Align-GVGD: "Class C0"). ClinVar contains an entry for this variant (Variation ID: 1498647). This variant has not been reported in the literature in individuals affected with SEMA3E-related conditions. This variant is present in population databases (rs778519947, gnomAD 0.0009%). This sequence change replaces leucine, which is neutral and non-polar, with serine, which is neutral and polar, at codon 41 of the SEMA3E protein (p.Leu41Ser).

PreventionGenetics, part of Exact Sciences
Classification: Uncertain significance for SEMA3E-related condition. Last evaluated: 2024-08-06. Review status: no assertion criteria provided. Collection method: clinical testing. Allele origin: germline. Not counted in ClinVar's aggregate classification.
Comment: The SEMA3E c.122T>C variant is predicted to result in the amino acid substitution p.Leu41Ser. To our knowledge, this variant has not been reported in the literature. This variant is reported in 0.0018% of alleles in individuals of European (Non-Finnish) descent in gnomAD. At this time, the clinical significance of this variant is uncertain due to the absence of conclusive functional and genetic evidence.

NM_012431.3(SEMA3E):c.122T>C (p.Leu41Ser)

Gene: SEMA3E (semaphorin 3E; minus strand). Cytogenetic location: 7q21.11.
Variant type: single nucleotide variant.
Coding change: c.122T>C on transcript NM_012431.3 (MANE Select); coding-DNA position 122, T replaced by C.
Protein change: p.Leu41Ser; replaces leucine 41 with serine.
Molecular consequence: missense variant. On other transcripts: 5 prime UTR variant (1).
Genome position (GRCh38, 1-based): chr7:83,490,268, A>G on the plus strand (T>C on the coding strand, the complement: SEMA3E is on the minus strand). VCF-style: chr7-83490268-A-G. GRCh37 (hg19) VCF-style: chr7-83119584-A-G.
Other names: c.122T>C (NM_012431.2); c.-59T>C (NM_001178129.2); short protein forms L41S.
Identifiers: ClinVar variation 1498647 (VCV001498647.9), dbSNP rs778519947, ClinGen allele CA4322445.
Genomic context (GRCh38, chr7:83,490,268, plus strand): 5'-ATTGTATGGAGATCAAGAAATCCAAAAGGGCTATGAAATATTGATGTTCTGTTCAGATTC[A>G]AGAGCTCTGAAATGCAAAGTGATACATACACTAAGCACACGAGAAAATGTAAATACCTTT-3'
Protein context (NP_036563.1, residues 31-51): PRLRLSHKEL[Leu41Ser]NLNRTSIFHS